The following is an entry in ClinVar:

NM_001286445.3(RIPOR2):c.657G>T (p.Met219Ile)

Gene: RIPOR2 (RHO family interacting cell polarization regulator 2; minus strand). Cytogenetic location: 6p22.3.
Variant type: single nucleotide variant.
Coding change: c.657G>T on transcript NM_001286445.3 (MANE Select); coding-DNA position 657, G replaced by T.
Protein change: p.Met219Ile; replaces methionine 219 with isoleucine.
Molecular consequence: missense variant.
Genome position (GRCh38, 1-based): chr6:24,861,031, C>A on the plus strand (G>T on the coding strand, the complement: RIPOR2 is on the minus strand). VCF-style: chr6-24861031-C-A. GRCh37 (hg19) VCF-style: chr6-24861259-C-A.
Other names: c.672G>T, p.Met224Ile (NM_001286446.3); c.570G>T, p.Met190Ile (NM_001286447.2, NM_001346031.2, NM_001346032.2 and 2 more transcripts); short protein forms M190I, M219I, M224I.
Identifiers: ClinVar variation 3343167 (VCV003343167.1).

ClinVar aggregate classification (germline): Uncertain significance (1 of 4 stars; one submission).

gnomAD v4.1: 6 of 1,608,536 alleles (0.00037%); highest among the groups gnomAD compares: African/African-American, 0.008%; no homozygotes.

Submission:

GeneDx
Classification: Uncertain significance. Last evaluated: 2023-05-15. Review status: criteria provided, single submitter. Criteria: GeneDx Variant Classification Process June 2021. Collection method: clinical testing. Allele origin: germline. Affected: yes.
Comment: In silico analysis supports that this missense variant has a deleterious effect on protein structure/function; Has not been previously published as pathogenic or benign to our knowledge; Variants in candidate genes are classified as variants of uncertain significance in accordance with ACMG guidelines (Richards et al., 2015)